The following is an entry in ClinVar:

ClinVar aggregate classification (germline): Likely benign (1 of 4 stars; one submission).

Allele frequency attached by ClinVar (database versions not stated): 1000 Genomes Project 0.00140; 1000 Genomes Project 30x 0.00156; TOPMed 0.00391; ESP Exome Variant Server 0.00533.
gnomAD v4.1: 6,771 of 1,565,588 alleles (0.43%); highest among the groups gnomAD compares: Middle Eastern, 2.4%; 47 homozygotes.

Submission:

CeGaT Center for Human Genetics Tuebingen
Classification: Likely benign. Last evaluated: 2023-01-01. Review status: criteria provided, single submitter. Criteria: CeGaT Center For Human Genetics Tuebingen Variant Classification Criteria Version 2. Collection method: clinical testing. Allele origin: germline. Affected: yes. Observed: 2 variant alleles.
Comment: CAPZB: BP4, BS2

NM_004930.5(CAPZB):c.93+4C>T

Gene: CAPZB (capping actin protein of muscle Z-line subunit beta; minus strand). Cytogenetic location: 1p36.13.
Variant type: single nucleotide variant.
Coding change: c.93+4C>T on transcript NM_004930.5 (MANE Select); 4 bases into the intron after coding-DNA position 93, C replaced by T.
Molecular consequence: intron variant.
Genome position (GRCh38, 1-based): chr1:19,419,657, G>A on the plus strand (C>T on the coding strand, the complement: CAPZB is on the minus strand). VCF-style: chr1-19419657-G-A. GRCh37 (hg19) VCF-style: chr1-19746151-G-A.
Other names: c.93+4C>T (NM_001206540.3, NM_001313932.2); c.171+4C>T (NM_001206541.3); c.180+4C>T (NM_001282162.2).
Identifiers: ClinVar variation 2638432 (VCV002638432.24), dbSNP rs147095059, ClinGen allele CA655437.